The following is an entry in ClinVar:

ClinVar aggregate classification (germline): Uncertain significance (1 of 4 stars; one submission).

Allele frequency attached by ClinVar (database versions not stated): gnomAD 0.00002 and 0.00003; gnomAD exomes 0.00003; TOPMed 0.00005.
gnomAD v4.1: 65 of 1,552,058 alleles (0.0042%); highest among the groups gnomAD compares: South Asian, 0.0071%; no homozygotes.

Submission:

Labcorp Genetics (formerly Invitae), Labcorp
Classification: Uncertain significance. Last evaluated: 2022-03-15. Review status: criteria provided, single submitter. Criteria: Invitae Variant Classification Sherloc (09022015). Collection method: clinical testing. Allele origin: germline.
Comment: This sequence change replaces proline, which is neutral and non-polar, with leucine, which is neutral and non-polar, at codon 606 of the UNC80 protein (p.Pro606Leu). This variant is present in population databases (rs774668513, gnomAD 0.004%). This variant has not been reported in the literature in individuals affected with UNC80-related conditions. Algorithms developed to predict the effect of missense changes on protein structure and function are either unavailable or do not agree on the potential impact of this missense change (SIFT: "Not Available"; PolyPhen-2: "Probably Damaging"; Align-GVGD: "Not Available"). In summary, the available evidence is currently insufficient to determine the role of this variant in disease. Therefore, it has been classified as a Variant of Uncertain Significance.

NM_001371986.1(UNC80):c.1817C>T (p.Pro606Leu)

Gene: UNC80 (unc-80 homolog, NALCN channel complex subunit; plus strand). Cytogenetic location: 2q34.
Variant type: single nucleotide variant.
Coding change: c.1817C>T on transcript NM_001371986.1 (MANE Select); coding-DNA position 1817, C replaced by T.
Protein change: p.Pro606Leu; replaces proline 606 with leucine.
Molecular consequence: missense variant.
Genome position (GRCh38, 1-based): chr2:209,819,116, C>T. VCF-style: chr2-209819116-C-T. GRCh37 (hg19) VCF-style: chr2-210683840-C-T.
Other names: c.1817C>T, p.Pro606Leu (NM_032504.2, NM_182587.4); short protein forms P606L.
Identifiers: ClinVar variation 1438310 (VCV001438310.3), dbSNP rs774668513, ClinGen allele CA64668265.